The following is an entry in ClinVar:

NM_020759.3(STARD9):c.10206T>C (p.Pro3402=)

Gene: STARD9 (StAR related lipid transfer domain containing 9; plus strand). Cytogenetic location: 15q15.2.
Variant type: single nucleotide variant.
Coding change: c.10206T>C on transcript NM_020759.3 (MANE Select); coding-DNA position 10206, T replaced by C.
Protein change: p.Pro3402=; no amino-acid change (proline 3402 retained).
Molecular consequence: synonymous variant.
Genome position (GRCh38, 1-based): chr15:42,691,784, T>C. VCF-style: chr15-42691784-T-C. GRCh37 (hg19) VCF-style: chr15-42983982-T-C.
Identifiers: ClinVar variation 3048761 (VCV003048761.2), dbSNP rs150255045, ClinGen allele CA7514719.
Genomic context (GRCh38, chr15:42,691,784, plus strand): 5'-CAATCAGAAAGCCTCATCTCGCTTGGATGATGGGACTACCGATCACAGGCACCTGAAGCC[T>C]GCCACCCCTCCTTATCCAATGCCTTCCACTCTCTCACACATGCCAACCCCTGATTTCACG-3'
Protein context (NP_065810.2, residues 3392-3412): DGTTDHRHLK[Pro3402=]ATPPYPMPST

ClinVar aggregate classification (germline): Likely benign (0 of 4 stars; one submission).

Conditions:
STARD9-related disorder. Also called: STARD9-related condition.

Allele frequency attached by ClinVar (database versions not stated): gnomAD exomes 0.00010; ExAC 0.00029; gnomAD 0.00098; TOPMed 0.00102; 1000 Genomes Project 30x 0.00219; 1000 Genomes Project 0.00220.
gnomAD v4.1: 305 of 1,537,238 alleles (0.02%); highest among the groups gnomAD compares: African/African-American, 0.36%; 1 homozygote.

Submission:

PreventionGenetics, part of Exact Sciences
Classification: Likely benign for STARD9-related condition. Last evaluated: 2019-02-28. Review status: no assertion criteria provided. Collection method: clinical testing. Allele origin: germline.
Comment: This variant is classified as likely benign based on ACMG/AMP sequence variant interpretation guidelines (Richards et al. 2015 PMID: 25741868, with internal and published modifications).